The following is an entry in ClinVar:

NM_001370466.1(NOD2):c.2102G>T (p.Gly701Val)

Gene: NOD2 (nucleotide binding oligomerization domain containing 2; plus strand). Cytogenetic location: 16q12.1.
Variant type: single nucleotide variant.
Coding change: c.2102G>T on transcript NM_001370466.1 (MANE Select); coding-DNA position 2102, G replaced by T.
Protein change: p.Gly701Val; replaces glycine 701 with valine.
Molecular consequence: missense variant. On other transcripts: non-coding transcript variant (1).
Genome position (GRCh38, 1-based): chr16:50,712,094, G>T. VCF-style: chr16-50712094-G-T. GRCh37 (hg19) VCF-style: chr16-50746005-G-T.
Other names: c.2102G>T, p.Gly701Val (NM_001293557.2); c.2183G>T, p.Gly728Val (NM_022162.3); short protein forms G701V, G728V.
Identifiers: ClinVar variation 4626272 (VCV004626272.1).

ClinVar aggregate classification (germline): Uncertain significance (1 of 4 stars; one submission).

Conditions:
Inborn genetic diseases. Identifiers: MedGen C0950123, MeSH D030342.

gnomAD v4.1: 2 of 1,613,894 alleles (0.00012%); highest among the groups gnomAD compares: Admixed American, 0.0033%; no homozygotes.

Submission:

Ambry Genetics
Classification: Uncertain significance for Inborn genetic diseases. Last evaluated: 2025-09-21. Review status: criteria provided, single submitter. Criteria: Ambry Variant Classification Scheme 2023. Collection method: clinical testing. Allele origin: germline.
Comment: The c.2183G>T (p.G728V) alteration is located in exon 4 (coding exon 4) of the NOD2 gene. This alteration results from a G to T substitution at nucleotide position 2183, causing the glycine (G) at amino acid position 728 to be replaced by a valine (V). Based on data from gnomAD, the T allele has an overall frequency of <0.001% (1/250968) total alleles studied. The highest observed frequency was 0.003% (1/34584) of Latino alleles. Based on insufficient or conflicting evidence, the clinical significance of this alteration remains unclear.